The following is an entry in ClinVar:

NM_012144.4(DNAI1):c.1005_1012dup (p.Leu338fs)

Gene: DNAI1 (dynein axonemal intermediate chain 1; plus strand). Cytogenetic location: 9p13.3.
Variant type: Duplication.
Coding change: c.1005_1012dup on transcript NM_012144.4 (MANE Select); coding-DNA positions 1005 to 1012, 8 bases duplicated (CACTGCCC; older notation c.1005_1012dupCACTGCCC).
Protein change: p.Leu338fs; shifts the reading frame from leucine 338.
Molecular consequence: frameshift variant.
Genome position (GRCh38, 1-based): chr9:34,500,825-34,500,832, CACTGCCC duplicated. VCF-style (leftmost placement, unchanged base first): chr9-34500824-T-TCACTGCCC. GRCh37 (hg19) VCF-style: chr9-34500822-T-TCACTGCCC.
Other names: c.1017_1024dup, p.Leu342fs (NM_001281428.2); short protein forms L338fs, L342fs.
Identifiers: ClinVar variation 5010697 (VCV005010697.1).

ClinVar aggregate classification (germline): Pathogenic (1 of 4 stars; one submission).

Conditions:
Kartagener syndrome (CILD1). Also called: CILIARY DYSKINESIA, PRIMARY, 1; CILIARY DYSKINESIA, PRIMARY, 1, WITH OR WITHOUT SITUS INVERSUS; IMMOTILE CILIA SYNDROME; POLYNESIAN BRONCHIECTASIS; Dextrocardia bronchiectasis and sinusitis; SIEWERT SYNDROME. Identifiers: Orphanet 244, MedGen C4551906, MONDO:0009484, OMIM 244400.

Submission:

Myriad Genetics, Inc.
Classification: Pathogenic for Kartagener syndrome. Last evaluated: 2024-05-14. Review status: criteria provided, single submitter. Criteria: Myriad Autosomal Dominant, Autosomal Recessive and X-Linked Classification Criteria (2023). Collection method: clinical testing. Allele origin: unknown.
Comment: NM_012144.2(DNAI1):c.1005_1012dup8(L338Pfs*24) is expected to be pathogenic in the context of primary ciliary dyskinesia, DNAI1-related. This variant is predicted to lead to an abnormal or absent protein product due to the creation of a premature termination codon in DNAI1, a gene where loss-of-function variants are known to be pathogenic. Please note: this variant was assessed in the context of healthy population screening.